The following is an entry in ClinVar:

NM_005228.5(EGFR):c.3130A>T (p.Asn1044Tyr)

Gene: EGFR (epidermal growth factor receptor; plus strand). Cytogenetic location: 7p11.2.
Variant type: single nucleotide variant.
Coding change: c.3130A>T on transcript NM_005228.5 (MANE Select); coding-DNA position 3130, A replaced by T.
Protein change: p.Asn1044Tyr; replaces asparagine 1044 with tyrosine.
Molecular consequence: missense variant.
Genome position (GRCh38, 1-based): chr7:55,201,750, A>T. VCF-style: chr7-55201750-A-T. GRCh37 (hg19) VCF-style: chr7-55269443-A-T.
Other names: c.2995A>T, p.Asn999Tyr (NM_001346897.2, NM_001346899.2); c.3130A>T, p.Asn1044Tyr (NM_001346898.2); c.2971A>T, p.Asn991Tyr (NM_001346900.2); c.2329A>T, p.Asn777Tyr (NM_001346941.2); short protein forms N991Y, N1044Y, N777Y, N999Y.
Identifiers: ClinVar variation 4748852 (VCV004748852.1).

ClinVar aggregate classification (germline): Uncertain significance (1 of 4 stars; one submission).

Conditions:
EGFR-related lung cancer (EGFR). Identifiers: MedGen CN130014.

Submission:

Labcorp Genetics (formerly Invitae), Labcorp
Classification: Uncertain significance for EGFR-related lung cancer. Last evaluated: 2025-12-23. Review status: criteria provided, single submitter. Criteria: Invitae Variant Classification Sherloc (09022015). Collection method: clinical testing. Allele origin: germline.
Comment: This sequence change replaces asparagine, which is neutral and polar, with tyrosine, which is neutral and polar, at codon 1044 of the EGFR protein (p.Asn1044Tyr). This variant is not present in population databases (gnomAD no frequency). This variant has not been reported in the literature in individuals affected with EGFR-related conditions. An algorithm developed to predict the effect of missense changes on protein structure and function (PolyPhen-2) suggests that this variant is likely to be disruptive. In summary, the available evidence is currently insufficient to determine the role of this variant in disease. Therefore, it has been classified as a Variant of Uncertain Significance.